The following is an entry in ClinVar:

NM_002907.4(RECQL):c.1778C>A (p.Ser593Tyr)

Genes: PYROXD1 (pyridine nucleotide-disulphide oxidoreductase domain 1; plus strand), RECQL (RecQ like helicase; minus strand). Cytogenetic location: 12p12.1.
Variant type: single nucleotide variant.
Coding change: c.1778C>A on transcript NM_002907.4 (MANE Select); coding-DNA position 1778, C replaced by A.
Protein change: p.Ser593Tyr; replaces serine 593 with tyrosine.
Molecular consequence: missense variant. On other transcripts: 3 prime UTR variant (3).
Genome position (GRCh38, 1-based): chr12:21,470,988, G>T on the plus strand (C>A on the coding strand, the complement: RECQL is on the minus strand). VCF-style: chr12-21470988-G-T. GRCh37 (hg19) VCF-style: chr12-21623922-G-T.
Other names: c.1778C>A, p.Ser593Tyr (NM_032941.3); c.*2234G>T (NM_001350912.2, NM_001350913.2, NM_024854.5); short protein forms S593Y.
Identifiers: ClinVar variation 1779909 (VCV001779909.2), dbSNP rs1473374235, ClinGen allele CA384114377.

ClinVar aggregate classification (germline): Uncertain significance (1 of 4 stars; one submission).

Submission:

Ambry Genetics
Classification: Uncertain significance. Last evaluated: 2022-09-17. Review status: criteria provided, single submitter. Criteria: Ambry Variant Classification Scheme 2023. Collection method: clinical testing. Allele origin: germline.
Comment: The p.S593Y variant (also known as c.1778C>A), located in coding exon 13 of the RECQL gene, results from a C to A substitution at nucleotide position 1778. The serine at codon 593 is replaced by tyrosine, an amino acid with dissimilar properties. This amino acid position is conserved. In addition, this alteration is predicted to be tolerated by in silico analysis. Since supporting evidence is limited at this time, the clinical significance of this alteration remains unclear.